The following is an entry in ClinVar:

ClinVar aggregate classification (germline): Uncertain significance (1 of 4 stars; one submission).

Conditions:
PHF2-related disorder. Also called: PHF2-related condition.

Allele frequency attached by ClinVar (database versions not stated): TOPMed below 0.00001; gnomAD 0.00001.
gnomAD v4.1: 2 of 1,562,260 alleles (0.00013%); highest among the groups gnomAD compares: Non-Finnish European, 0.00017%; no homozygotes.

Submission:

PreventionGenetics, part of Exact Sciences
Classification: Uncertain significance for PHF2-related condition. Last evaluated: 2023-06-16. Review status: criteria provided, single submitter. Criteria: ACMG Guidelines, 2015. Collection method: clinical testing. Allele origin: germline.
Comment: The PHF2 c.1579G>A variant is predicted to result in the amino acid substitution p.Gly527Ser. To our knowledge, this variant has not been reported in the literature or in a large population database, indicating this variant is rare. At this time, the clinical significance of this variant is uncertain due to the absence of conclusive functional and genetic evidence.

NM_005392.4(PHF2):c.1579G>A (p.Gly527Ser)

Gene: PHF2 (PHD finger protein 2; plus strand). Cytogenetic location: 9q22.31.
Variant type: single nucleotide variant.
Coding change: c.1579G>A on transcript NM_005392.4 (MANE Select); coding-DNA position 1579, G replaced by A.
Protein change: p.Gly527Ser; replaces glycine 527 with serine.
Molecular consequence: missense variant.
Genome position (GRCh38, 1-based): chr9:93,660,441, G>A. VCF-style: chr9-93660441-G-A. GRCh37 (hg19) VCF-style: chr9-96422723-G-A.
Other names: short protein forms G527S.
Identifiers: ClinVar variation 2633260 (VCV002633260.1), dbSNP rs774348404, ClinGen allele CA374079724.